The following is an entry in ClinVar:

NM_014780.5(CUL7):c.1022G>C (p.Gly341Ala)

Gene: CUL7 (cullin 7; minus strand). Cytogenetic location: 6p21.1.
Variant type: single nucleotide variant.
Coding change: c.1022G>C on transcript NM_014780.5 (MANE Select); coding-DNA position 1022, G replaced by C.
Protein change: p.Gly341Ala; replaces glycine 341 with alanine.
Molecular consequence: missense variant.
Genome position (GRCh38, 1-based): chr6:43,051,179, C>G on the plus strand (G>C on the coding strand, the complement: CUL7 is on the minus strand). VCF-style: chr6-43051179-C-G. GRCh37 (hg19) VCF-style: chr6-43018917-C-G.
Other names: c.1118G>C, p.Gly373Ala (NM_001168370.2, NM_001374872.1); c.1022G>C, p.Gly341Ala (NM_001374873.1, NM_001374874.1); c.1022G>C (NM_014780.4); short protein forms G341A, G373A.
Identifiers: ClinVar variation 2784386 (VCV002784386.4), dbSNP rs1483576634, ClinGen allele CA364227530.

ClinVar aggregate classification (germline): Uncertain significance. Review status: criteria provided, multiple submitters, no conflicts (2 of 4 stars). 2 submissions from 2 submitters: Uncertain significance (2). Last evaluated 2025-03-01.

Allele frequency attached by ClinVar (database versions not stated): TOPMed below 0.00001; gnomAD exomes 0.00001.
gnomAD v4.1: 20 of 1,614,206 alleles (0.0012%); highest among the groups gnomAD compares: Non-Finnish European, 0.0016%; no homozygotes.

Submissions (2):

GeneDx
Classification: Uncertain significance. Last evaluated: 2025-03-01. Review status: criteria provided, single submitter. Criteria: GeneDx Variant Classification Process June 2021. Collection method: clinical testing. Allele origin: germline. Affected: yes.
Comment: Not observed at significant frequency in large population cohorts (gnomAD); In silico analysis indicates that this missense variant does not alter protein structure/function; Has not been previously published as pathogenic or benign to our knowledge

Labcorp Genetics (formerly Invitae), Labcorp
Classification: Uncertain significance. Last evaluated: 2023-09-24. Review status: criteria provided, single submitter. Criteria: Invitae Variant Classification Sherloc (09022015). Collection method: clinical testing. Allele origin: germline.
Comment: This variant has not been reported in the literature in individuals affected with CUL7-related conditions. In summary, the available evidence is currently insufficient to determine the role of this variant in disease. Therefore, it has been classified as a Variant of Uncertain Significance. Algorithms developed to predict the effect of missense changes on protein structure and function output the following: SIFT: "Not Available"; PolyPhen-2: "Benign"; Align-GVGD: "Not Available". The alanine amino acid residue is found in multiple mammalian species, which suggests that this missense change does not adversely affect protein function. This variant is not present in population databases (gnomAD no frequency). This sequence change replaces glycine, which is neutral and non-polar, with alanine, which is neutral and non-polar, at codon 341 of the CUL7 protein (p.Gly341Ala).